The following is an entry in ClinVar:

ClinVar aggregate classification (germline): Uncertain significance (1 of 4 stars; one submission).

Conditions:
Classic or attenuated familial adenomatous polyposis. Identifiers: MedGen CN372698, MONDO:0021057.

Submission:

All of Us Research Program, National Institutes of Health
Classification: Uncertain significance for Classic or attenuated familial adenomatous polyposis. Last evaluated: 2024-04-25. Review status: criteria provided, single submitter. Criteria: ACMG Guidelines, 2015. Collection method: clinical testing. Allele origin: germline. Inheritance: Autosomal dominant inheritance. Observed: 1 variant allele, 1 heterozygote.
Comment: This missense variant replaces glutamine with lysine at codon 1406 of the APC protein. Computational prediction suggests that this variant may not impact protein structure and function (internally defined REVEL score threshold <= 0.5, PMID: 27666373). To our knowledge, functional studies have not been reported for this variant. This variant has not been reported in individuals affected with APC-related disorders in the literature. This variant has not been identified in the general population by the Genome Aggregation Database (gnomAD). The available evidence is insufficient to determine the role of this variant in disease conclusively. Therefore, this variant is classified as a Variant of Uncertain Significance.

This study involves interpretation of variants in research participants for the purpose of population health screening. Participant phenotype was not available at the time of variant classification. Additional details can be found in publication PMID: 35346344, PMCID: PMC8962531

NM_000038.6(APC):c.4216C>A (p.Gln1406Lys)

Gene: APC (APC regulator of WNT signaling pathway; plus strand). Cytogenetic location: 5q22.2.
Variant type: single nucleotide variant.
Coding change: c.4216C>A on transcript NM_000038.6 (MANE Select); coding-DNA position 4216, C replaced by A.
Protein change: p.Gln1406Lys; replaces glutamine 1406 with lysine.
Molecular consequence: missense variant. On other transcripts: non-coding transcript variant (2).
Genome position (GRCh38, 1-based): chr5:112,839,810, C>A. VCF-style: chr5-112839810-C-A. GRCh37 (hg19) VCF-style: chr5-112175507-C-A.
Other names: c.4216C>A, p.Gln1406Lys (NM_001127510.3, NM_001354895.2, NM_001407450.1); c.4162C>A, p.Gln1388Lys (NM_001127511.3); c.4270C>A, p.Gln1424Lys (NM_001354896.2, NM_001407447.1, NM_001407448.1 and 1 more transcripts); c.4246C>A, p.Gln1416Lys (NM_001354897.2); c.4141C>A, p.Gln1381Lys (NM_001354898.2); c.4132C>A, p.Gln1378Lys (NM_001354899.2); c.4093C>A, p.Gln1365Lys (NM_001354900.2); c.4039C>A, p.Gln1347Lys (NM_001354901.2, NM_001407453.1); and 11 more; short protein forms Q1022K, Q1123K, Q1246K, Q1277K, Q1280K, Q1305K, Q1315K, Q1323K.
Identifiers: ClinVar variation 3386636 (VCV003386636.1).